The following is an entry in ClinVar:

ClinVar aggregate classification (germline): Uncertain significance (1 of 4 stars; one submission).

Conditions:
Jeune thoracic dystrophy. Also called: Jeune syndrome; Infantile thoracic dystrophy; Thoracic pelvic phalangeal dystrophy; Jeune's syndrome; Chondroectodermal dysplasia-like syndrome; Short-rib thoracic dysplasia. Identifiers: Orphanet 474, MedGen C0265275, MONDO:0018770.

Allele frequency attached by ClinVar (database versions not stated): TOPMed below 0.00001.

Submission:

Labcorp Genetics (formerly Invitae), Labcorp
Classification: Uncertain significance for Jeune thoracic dystrophy. Last evaluated: 2022-09-01. Review status: criteria provided, single submitter. Criteria: Invitae Variant Classification Sherloc (09022015). Collection method: clinical testing. Allele origin: germline.
Comment: This sequence change replaces alanine, which is neutral and non-polar, with serine, which is neutral and polar, at codon 3917 of the DYNC2H1 protein (p.Ala3917Ser). This variant is not present in population databases (gnomAD no frequency). This variant has not been reported in the literature in individuals affected with DYNC2H1-related conditions. Algorithms developed to predict the effect of missense changes on protein structure and function output the following: SIFT: "Tolerated"; PolyPhen-2: "Benign"; Align-GVGD: "Class C0". The serine amino acid residue is found in multiple mammalian species, which suggests that this missense change does not adversely affect protein function. In summary, the available evidence is currently insufficient to determine the role of this variant in disease. Therefore, it has been classified as a Variant of Uncertain Significance.

NM_001377.3(DYNC2H1):c.11728G>T (p.Ala3910Ser)

Gene: DYNC2H1 (dynein cytoplasmic 2 heavy chain 1; plus strand). Cytogenetic location: 11q22.3.
Variant type: single nucleotide variant.
Coding change: c.11728G>T on transcript NM_001377.3 (MANE Select); coding-DNA position 11728, G replaced by T.
Protein change: p.Ala3910Ser; replaces alanine 3910 with serine.
Molecular consequence: missense variant.
Genome position (GRCh38, 1-based): chr11:103,321,031, G>T. VCF-style: chr11-103321031-G-T. GRCh37 (hg19) VCF-style: chr11-103191760-G-T.
Other names: c.11749G>T, p.Ala3917Ser (NM_001080463.2); short protein forms A3910S, A3917S.
Identifiers: ClinVar variation 2143004 (VCV002143004.1), dbSNP rs1938158002, ClinGen allele CA382268623.